The following is an entry in ClinVar:

NM_001394372.1(BICRA):c.4153C>T (p.Leu1385=)

Gene: BICRA (BRD4 interacting chromatin remodeling complex associated protein; plus strand). Cytogenetic location: 19q13.33.
Variant type: single nucleotide variant.
Coding change: c.4153C>T on transcript NM_001394372.1 (MANE Select); coding-DNA position 4153, C replaced by T.
Protein change: p.Leu1385=; no amino-acid change (leucine 1385 retained).
Molecular consequence: synonymous variant.
Genome position (GRCh38, 1-based): chr19:47,701,885, C>T. VCF-style: chr19-47701885-C-T. GRCh37 (hg19) VCF-style: chr19-48205142-C-T.
Other names: c.4153C>T, p.Leu1385= (NM_015711.3).
Identifiers: ClinVar variation 2650188 (VCV002650188.24), dbSNP rs756024264, ClinGen allele CA9542381.
Genomic context (GRCh38, chr19:47,701,885, plus strand): 5'-CACCCGCCGCCTGCCGCCCCCGAGCGCAAGCCCCTGGGCACCGCCCCGCACTGCCCGCGC[C>T]TGCCACTGCGCAAGACCTACCGCGAGAACGTGGGGGGCCCTGGCGCGCCGGAGGGGACGC-3'
Protein context (NP_001381301.1, residues 1375-1395): PLGTAPHCPR[Leu1385=]PLRKTYRENV

ClinVar aggregate classification (germline): Likely benign (1 of 4 stars; one submission).

Allele frequency attached by ClinVar (database versions not stated): TOPMed 0.00001; gnomAD exomes 0.00003; ExAC 0.00034.
gnomAD v4.1: 39 of 1,468,126 alleles (0.0027%); highest among the groups gnomAD compares: Middle Eastern, 0.057%; no homozygotes.

Submission:

CeGaT Center for Human Genetics Tuebingen
Classification: Likely benign. Last evaluated: 2023-01-01. Review status: criteria provided, single submitter. Criteria: CeGaT Center For Human Genetics Tuebingen Variant Classification Criteria Version 2. Collection method: clinical testing. Allele origin: germline. Affected: yes. Observed: 1 variant allele.
Comment: BICRA: BP4, BP7